The following is an entry in ClinVar:

NM_000297.4(PKD2):c.85C>G (p.Leu29Val)

Genes: PKD2 (polycystin 2, transient receptor potential cation channel; plus strand), LOC129992813 (ATAC-STARR-seq lymphoblastoid silent region 15559; plus strand). Cytogenetic location: 4q22.1.
Variant type: single nucleotide variant.
Coding change: c.85C>G on transcript NM_000297.4 (MANE Select); coding-DNA position 85, C replaced by G.
Protein change: p.Leu29Val; replaces leucine 29 with valine.
Molecular consequence: missense variant. On other transcripts: non-coding transcript variant (1).
Genome position (GRCh38, 1-based): chr4:88,007,818, C>G. VCF-style: chr4-88007818-C-G. GRCh37 (hg19) VCF-style: chr4-88928970-C-G.
Other names: short protein forms L29V.
Identifiers: ClinVar variation 969177 (VCV000969177.10), dbSNP rs1578111148, ClinGen allele CA357625084.

ClinVar aggregate classification (germline): Uncertain significance (1 of 4 stars; one submission).

Conditions:
Autosomal dominant polycystic kidney disease. Identifiers: Orphanet 730, MedGen C0085413, MONDO:0004691.

Allele frequency attached by ClinVar (database versions not stated): gnomAD 0.00001; gnomAD exomes 0.00001.
gnomAD v4.1: 9 of 1,180,122 alleles (0.00076%); highest among the groups gnomAD compares: African/African-American, 0.0065%; no homozygotes.

Submission:

Labcorp Genetics (formerly Invitae), Labcorp
Classification: Uncertain significance for Autosomal dominant polycystic kidney disease. Last evaluated: 2022-11-01. Review status: criteria provided, single submitter. Criteria: Invitae Variant Classification Sherloc (09022015). Collection method: clinical testing. Allele origin: germline.
Comment: This variant has not been reported in the literature in individuals affected with PKD2-related conditions. ClinVar contains an entry for this variant (Variation ID: 969177). Algorithms developed to predict the effect of missense changes on protein structure and function (SIFT, PolyPhen-2, Align-GVGD) all suggest that this variant is likely to be tolerated. The frequency data for this variant in the population databases is considered unreliable, as metrics indicate insufficient coverage at this position in the gnomAD database. In summary, the available evidence is currently insufficient to determine the role of this variant in disease. Therefore, it has been classified as a Variant of Uncertain Significance. This sequence change replaces leucine, which is neutral and non-polar, with valine, which is neutral and non-polar, at codon 29 of the PKD2 protein (p.Leu29Val).